The following is an entry in ClinVar:

NM_018834.6(MATR3):c.2120C>T (p.Ser707Leu)

Genes: MATR3 (matrin 3; plus strand), LOC126807526 (CDK7 strongly-dependent group 2 enhancer GRCh37_chr5:138657767-138658966; plus strand). Cytogenetic location: 5q31.2.
Variant type: single nucleotide variant.
Coding change: c.2120C>T on transcript NM_018834.6 (MANE Select); coding-DNA position 2120, C replaced by T.
Protein change: p.Ser707Leu; replaces serine 707 with leucine.
Molecular consequence: missense variant.
Genome position (GRCh38, 1-based): chr5:139,322,939, C>T. VCF-style: chr5-139322939-C-T. GRCh37 (hg19) VCF-style: chr5-138658628-C-T.
Other names: c.2120C>T, p.Ser707Leu (NM_001194954.2, NM_001194955.2, NM_199189.3); c.1256C>T, p.Ser419Leu (NM_001194956.2); c.1106C>T, p.Ser369Leu (NM_001282278.2); short protein forms S707L, S369L, S419L.
Identifiers: ClinVar variation 1366676 (VCV001366676.6), dbSNP rs1228960452, ClinGen allele CA361144973.

ClinVar aggregate classification (germline): Uncertain significance (1 of 4 stars; one submission).

Conditions:
Amyotrophic lateral sclerosis type 21. Also called: MYOPATHY, DISTAL, 2; VOCAL CORD AND PHARYNGEAL DYSFUNCTION WITH DISTAL MYOPATHY. Identifiers: Orphanet 600, Orphanet 803, MedGen C3807521, MONDO:0011632, OMIM 606070.

Allele frequency attached by ClinVar (database versions not stated): gnomAD exomes 0.00001.
gnomAD v4.1: 5 of 1,613,968 alleles (0.00031%); highest among the groups gnomAD compares: Non-Finnish European, 0.00042%; no homozygotes.

Submission:

Labcorp Genetics (formerly Invitae), Labcorp
Classification: Uncertain significance for Amyotrophic lateral sclerosis type 21. Last evaluated: 2021-08-06. Review status: criteria provided, single submitter. Criteria: Invitae Variant Classification Sherloc (09022015). Collection method: clinical testing. Allele origin: germline.
Comment: In summary, the available evidence is currently insufficient to determine the role of this variant in disease. Therefore, it has been classified as a Variant of Uncertain Significance. Algorithms developed to predict the effect of missense changes on protein structure and function are either unavailable or do not agree on the potential impact of this missense change (SIFT: "Deleterious"; PolyPhen-2: "Benign"; Align-GVGD: "Class C0"). This missense change has been observed in individual(s) with clinical features of MATR3-related conditions (PMID: 28029397). This variant is not present in population databases (ExAC no frequency). This sequence change replaces serine with leucine at codon 707 of the MATR3 protein (p.Ser707Leu). The serine residue is moderately conserved and there is a large physicochemical difference between serine and leucine.

Literature cited by the submitters: PubMed 28029397.